The following is an entry in ClinVar:

ClinVar aggregate classification (germline): Uncertain significance (1 of 4 stars; one submission).

Conditions:
Hereditary cancer-predisposing syndrome. Also called: Neoplastic Syndromes, Hereditary; Tumor predisposition; Hereditary neoplastic syndrome; Hereditary Cancer Syndrome. Identifiers: Orphanet 140162, MedGen C0027672, MeSH D009386, MONDO:0015356.

Submission:

Ambry Genetics
Classification: Uncertain significance for Hereditary cancer-predisposing syndrome. Last evaluated: 2026-07-07. Review status: criteria provided, single submitter. Criteria: Ambry Variant Classification Scheme 2023. Collection method: clinical testing. Allele origin: germline.
Comment: The p.S1056I variant (also known as c.3167G>T), located in coding exon 22 of the PDGFRA gene, results from a G to T substitution at nucleotide position 3167. The serine at codon 1056 is replaced by isoleucine, an amino acid with dissimilar properties. This amino acid position is conserved. In addition, the in silico prediction for this alteration is inconclusive. Based on the available evidence, the clinical significance of this variant remains unclear.

NM_006206.6(PDGFRA):c.3167G>T (p.Ser1056Ile)

Gene: PDGFRA (platelet derived growth factor receptor alpha; plus strand). Cytogenetic location: 4q12.
Variant type: single nucleotide variant.
Coding change: c.3167G>T on transcript NM_006206.6 (MANE Select); coding-DNA position 3167, G replaced by T.
Protein change: p.Ser1056Ile; replaces serine 1056 with isoleucine.
Molecular consequence: missense variant.
Genome position (GRCh38, 1-based): chr4:54,295,169, G>T. VCF-style: chr4-54295169-G-T. GRCh37 (hg19) VCF-style: chr4-55161336-G-T.
Other names: c.3242G>T, p.Ser1081Ile (NM_001347828.2); c.3167G>T, p.Ser1056Ile (NM_001347829.2); c.3206G>T, p.Ser1069Ile (NM_001347830.2); short protein forms S1056I, S1081I, S1069I.
Identifiers: ClinVar variation 5026430 (VCV005026430.1).